The following is an entry in ClinVar:

ClinVar aggregate classification (germline): Uncertain significance (1 of 4 stars; one submission).

gnomAD v4.1: 1 of 1,613,392 alleles (0.000062%); highest among the groups gnomAD compares: Non-Finnish European, 0.000085%; no homozygotes.

Submission:

CeGaT Center for Human Genetics Tuebingen
Classification: Uncertain significance. Last evaluated: 2024-01-01. Review status: criteria provided, single submitter. Criteria: CeGaT Center For Human Genetics Tuebingen Variant Classification Criteria Version 2. Collection method: clinical testing. Allele origin: germline. Affected: yes. Observed: 1 variant allele.
Comment: TMTC3: PM2

NM_181783.4(TMTC3):c.749T>C (p.Val250Ala)

Gene: TMTC3 (transmembrane O-mannosyltransferase targeting cadherins 3; plus strand). Cytogenetic location: 12q21.32.
Variant type: single nucleotide variant.
Coding change: c.749T>C on transcript NM_181783.4 (MANE Select); coding-DNA position 749, T replaced by C.
Protein change: p.Val250Ala; replaces valine 250 with alanine.
Molecular consequence: missense variant. On other transcripts: non-coding transcript variant (1).
Genome position (GRCh38, 1-based): chr12:88,160,803, T>C. VCF-style: chr12-88160803-T-C. GRCh37 (hg19) VCF-style: chr12-88554580-T-C.
Other names: c.569T>C, p.Val190Ala (NM_001366574.1); c.530T>C, p.Val177Ala (NM_001366579.1); c.482T>C, p.Val161Ala (NM_001366580.1); c.56T>C, p.Val19Ala (NM_001366583.1); short protein forms V161A, V177A, V190A, V19A, V250A.
Identifiers: ClinVar variation 3026289 (VCV003026289.22), dbSNP rs1179229605, ClinGen allele CA385996886.